The following is an entry in ClinVar:

NM_001278064.2(GRM1):c.3425C>T (p.Ser1142Leu)

Gene: GRM1 (glutamate metabotropic receptor 1; plus strand). Cytogenetic location: 6q24.3.
Variant type: single nucleotide variant.
Coding change: c.3425C>T on transcript NM_001278064.2 (MANE Select); coding-DNA position 3425, C replaced by T.
Protein change: p.Ser1142Leu; replaces serine 1142 with leucine.
Molecular consequence: missense variant. On other transcripts: 3 prime UTR variant (3).
Genome position (GRCh38, 1-based): chr6:146,434,636, C>T. VCF-style: chr6-146434636-C-T. GRCh37 (hg19) VCF-style: chr6-146755772-C-T.
Other names: c.*789C>T (NM_001278065.2); c.*754C>T (NM_001278066.1); c.*663C>T (NM_001278067.1); short protein forms S1142L.
Identifiers: ClinVar variation 2582193 (VCV002582193.1), dbSNP rs917848032, ClinGen allele CA366193710.

ClinVar aggregate classification (germline): Uncertain significance (1 of 4 stars; one submission).

Submission:

GeneDx
Classification: Uncertain significance. Last evaluated: 2023-03-31. Review status: criteria provided, single submitter. Criteria: GeneDx Variant Classification Process June 2021. Collection method: clinical testing. Allele origin: germline. Affected: yes.
Comment: Not observed at significant frequency in large population cohorts (gnomAD); In silico analysis supports that this missense variant does not alter protein structure/function; Has not been previously published as pathogenic or benign to our knowledge